The following is an entry in ClinVar:

ClinVar aggregate classification (germline): Conflicting classifications of pathogenicity. Review status: criteria provided, conflicting classifications (1 of 4 stars). 6 submissions from 6 submitters: Uncertain significance (3); Likely benign (3). Last evaluated 2024-12-17.

Conditions:
Loeys-Dietz syndrome (LDS). Identifiers: Orphanet 60030, MedGen C2697932, MONDO:0018954.
Loeys-Dietz syndrome 1 (LDS1). Also called: TGFBR1-Related Loeys-Dietz Syndrome; AORTIC ANEURYSM, FAMILIAL THORACIC 5; FURLONG SYNDROME. Identifiers: Orphanet 60030, MedGen C4551955, MONDO:0012212, OMIM 609192.
Familial thoracic aortic aneurysm and aortic dissection (TAAD). Also called: Thoracic aortic aneurysms and dissections. Identifiers: Orphanet 91387, MedGen C4707243, MONDO:0019625.

Allele frequency attached by ClinVar (database versions not stated): gnomAD 0.00004; TOPMed 0.00014.
gnomAD v4.1: 8 of 1,613,960 alleles (0.0005%); highest among the groups gnomAD compares: African/African-American, 0.011%; no homozygotes.

Submissions (6):

Ambry Genetics
Classification: Likely benign for Familial thoracic aortic aneurysm and aortic dissection. Last evaluated: 2024-12-17. Review status: criteria provided, single submitter. Criteria: Ambry Variant Classification Scheme 2023. Collection method: clinical testing. Allele origin: germline.

Labcorp Genetics (formerly Invitae), Labcorp
Classification: Likely benign for Familial thoracic aortic aneurysm and aortic dissection. Last evaluated: 2024-12-04. Review status: criteria provided, single submitter. Criteria: Invitae Variant Classification Sherloc (09022015). Collection method: clinical testing. Allele origin: germline.

All of Us Research Program, National Institutes of Health
Classification: Uncertain significance for Loeys-Dietz syndrome. Last evaluated: 2023-06-26. Review status: criteria provided, single submitter. Criteria: ACMG Guidelines, 2015. Collection method: clinical testing. Allele origin: germline. Inheritance: Autosomal dominant inheritance. Observed: 2 variant alleles, 2 heterozygotes.
Comment: This variant is located in the TGFBR1 protein. To our knowledge, functional studies have not been reported for this variant. This variant has not been reported in individuals affected with TGFBR1-related disorders in the literature. This variant has been identified in 2/251058 chromosomes in the general population by the Genome Aggregation Database (gnomAD). The available evidence is insufficient to determine the role of this variant in disease conclusively. Therefore, this variant is classified as a Variant of Uncertain Significance.

This study involves interpretation of variants in research participants for the purpose of population health screening. Participant phenotype was not available at the time of variant classification. Additional details can be found in publication PMID: 35346344, PMCID: PMC8962531

Color Diagnostics, LLC DBA Color Health
Classification: Uncertain significance for Familial thoracic aortic aneurysm and aortic dissection. Last evaluated: 2022-11-06. Review status: criteria provided, single submitter. Criteria: ACMG Guidelines, 2015. Collection method: clinical testing. Allele origin: germline.
Comment: This variant is located in the TGFBR1 protein. To our knowledge, functional studies have not been reported for this variant. This variant has not been reported in individuals affected with TGFBR1-related disorders in the literature. This variant has been identified in 2/251058 chromosomes in the general population by the Genome Aggregation Database (gnomAD). The available evidence is insufficient to determine the role of this variant in disease conclusively. Therefore, this variant is classified as a Variant of Uncertain Significance.

Illumina Laboratory Services, Illumina
Classification: Uncertain significance for Loeys-Dietz syndrome 1. Last evaluated: 2018-01-13. Review status: criteria provided, single submitter. Criteria: ICSL Variant Classification Criteria 13 December 2019. Collection method: clinical testing. Allele origin: germline.

CHEO Genetics Diagnostic Laboratory, Children's Hospital of Eastern Ontario
Classification: Likely benign for Familial thoracic aortic aneurysm and aortic dissection. Last evaluated: 2017-05-11. Review status: criteria provided, single submitter. Criteria: ACMG Guidelines, 2015. Collection method: clinical testing. Allele origin: germline. Study: Canadian Open Genetics Repository.

NM_004612.4(TGFBR1):c.1065A>C (p.Ala355=)

Gene: TGFBR1 (transforming growth factor beta receptor 1; plus strand). Cytogenetic location: 9q22.33.
Variant type: single nucleotide variant.
Coding change: c.1065A>C on transcript NM_004612.4 (MANE Select); coding-DNA position 1065, A replaced by C.
Protein change: p.Ala355=; no amino-acid change (alanine 355 retained).
Molecular consequence: synonymous variant.
Genome position (GRCh38, 1-based): chr9:99,144,823, A>C. VCF-style: chr9-99144823-A-C. GRCh37 (hg19) VCF-style: chr9-101907105-A-C.
Other names: c.834A>C, p.Ala278= (NM_001130916.3); c.1077A>C, p.Ala359= (NM_001306210.2).
Identifiers: ClinVar variation 626775 (VCV000626775.16), dbSNP rs758280185, ClinGen allele CA043820.